The following is an entry in ClinVar:

ClinVar aggregate classification (germline): Pathogenic (1 of 4 stars; one submission).

Conditions:
X-linked myopathy with postural muscle atrophy. Also called: FHL1-Related Emery-Dreifuss Muscular Dystrophy, X-Linked. Identifiers: Orphanet 178461, MedGen C2678055, MONDO:0010401, OMIM 300696.

Submission:

Labcorp Genetics (formerly Invitae), Labcorp
Classification: Pathogenic for X-linked myopathy with postural muscle atrophy. Last evaluated: 2025-04-18. Review status: criteria provided, single submitter. Criteria: Invitae Variant Classification Sherloc (09022015). Collection method: clinical testing. Allele origin: germline.
Comment: This sequence change creates a premature translational stop signal (p.Leu72Glnfs*2) in the FHL1 gene. It is expected to result in an absent or disrupted protein product. Loss-of-function variants in FHL1 are known to be pathogenic (PMID: 18179888, 19687455, 19716112, 22523091, 24114807). This variant is not present in population databases (gnomAD no frequency). This variant has not been reported in the literature in individuals affected with FHL1-related conditions. ClinVar contains an entry for this variant (Variation ID: 2123783). For these reasons, this variant has been classified as Pathogenic.

Literature cited by the submitters: PubMed 18179888; PubMed 19687455; PubMed 19716112; PubMed 22523091; PubMed 24114807.

NM_001159699.2(FHL1):c.263_276del (p.Leu88fs)

Gene: FHL1 (four and a half LIM domains 1; plus strand). Cytogenetic location: Xq26.3.
Variant type: Deletion.
Coding change: c.263_276del on transcript NM_001159699.2 (MANE Select); coding-DNA positions 263 to 276, 14 bases deleted (TTCACCCCTTGGCC).
Protein change: p.Leu88fs; shifts the reading frame from leucine 88.
Molecular consequence: frameshift variant. On other transcripts: non-coding transcript variant (1).
Genome position (GRCh38, 1-based): chrX:136,207,074-136,207,087, TTCACCCCTTGGCC deleted; deleting any 14 consecutive bases within chrX:136,207,071-136,207,087 gives the same sequence; the c. name uses the placement nearest the transcript's 3' end. VCF-style (leftmost placement, unchanged base first): chrX-136207070-TGCCTTCACCCCTTG-T. GRCh37 (hg19) VCF-style: chrX-135289229-TGCCTTCACCCCTTG-T.
Other names: c.215_228del, p.Leu72fs (NM_001159700.2, NM_001159702.3, NM_001159703.2 and 9 more transcripts); c.302_315del, p.Leu101fs (NM_001159701.2); c.263_276del, p.Leu88fs (NM_001330659.2); short protein forms L88fs, L101fs, L72fs.
Identifiers: ClinVar variation 2123783 (VCV002123783.4), dbSNP rs2521263548, ClinGen allele CA2580101562.